The following is an entry in ClinVar:

ClinVar aggregate classification (germline): Uncertain significance. Review status: criteria provided, multiple submitters, no conflicts (2 of 4 stars). 2 submissions from 2 submitters: Uncertain significance (2). Last evaluated 2025-09-27.

Conditions:
Hereditary cancer-predisposing syndrome. Also called: Hereditary Cancer Syndrome; Tumor predisposition; Hereditary neoplastic syndrome; Neoplastic Syndromes, Hereditary. Identifiers: Orphanet 140162, MedGen C0027672, MeSH D009386, MONDO:0015356.
Hereditary breast ovarian cancer syndrome. Also called: Hereditary breast and/or ovarian cancer syndrome; Hereditary breast and ovarian cancer syndrome; Hereditary breast and ovarian cancer syndrome (HBOC); Breast and ovarian cancer; Hereditary breast and ovarian cancer; BRCA1- and BRCA2-Associated Hereditary Breast and Ovarian Cancer. Identifiers: Orphanet 145, MedGen C0677776, MeSH D061325, MONDO:0003582. Disease mechanism: loss of function.

Submissions (2):

Labcorp Genetics (formerly Invitae), Labcorp
Classification: Uncertain significance for Hereditary breast ovarian cancer syndrome. Last evaluated: 2025-09-27. Review status: criteria provided, single submitter. Criteria: Invitae Variant Classification Sherloc (09022015). Collection method: clinical testing. Allele origin: germline.
Comment: This sequence change falls in intron 7 of the BRCA2 gene. It does not directly change the encoded amino acid sequence of the BRCA2 protein. It affects a nucleotide within the consensus splice site. This variant is not present in population databases (gnomAD no frequency). This variant has not been reported in the literature in individuals affected with BRCA2-related conditions. ClinVar contains an entry for this variant (Variation ID: 1055910). Variants that disrupt the consensus splice site are a relatively common cause of aberrant splicing (PMID: 17576681, 9536098). Algorithms developed to predict the effect of sequence changes on RNA splicing suggest that this variant is not likely to affect RNA splicing. In summary, the available evidence is currently insufficient to determine the role of this variant in disease. Therefore, it has been classified as a Variant of Uncertain Significance.

Ambry Genetics
Classification: Uncertain significance for Hereditary cancer-predisposing syndrome. Last evaluated: 2024-08-06. Review status: criteria provided, single submitter. Criteria: Ambry Variant Classification Scheme 2023. Collection method: clinical testing. Allele origin: germline.
Comment: The c.631+4dupA intronic variant results from a duplication of 1 nucleotide 4 nucleotides upstream from coding exon 6 of the BRCA2 gene. This nucleotide position is well conserved in available vertebrate species. In silico splice site analysis predicts that this alteration will not have any significant effect on splicing; however, direct evidence is insufficient at this time (Ambry internal data). Based on the available evidence, the clinical significance of this variant remains unclear.

Literature cited by the submitters: PubMed 17576681 (cited by Labcorp Genetics (formerly Invitae), Labcorp); PubMed 9536098 (cited by Labcorp Genetics (formerly Invitae), Labcorp).

NM_000059.4(BRCA2):c.631+4dup

Gene: BRCA2 (BRCA2 DNA repair associated; plus strand). Cytogenetic location: 13q13.1.
Variant type: Duplication.
Coding change: c.631+4dup on transcript NM_000059.4 (MANE Select); 4 bases into the intron after coding-DNA position 631, one base duplicated (A; older notation c.631+4dupA).
Molecular consequence: intron variant.
Genome position (GRCh38, 1-based): chr13:32,326,617, A duplicated; the last of 2 consecutive A bases (chr13:32,326,616-32,326,617); duplicating either gives the same sequence. VCF-style (leftmost placement, unchanged base first): chr13-32326615-T-TA. GRCh37 (hg19) VCF-style: chr13-32900752-T-TA.
Identifiers: ClinVar variation 1055910 (VCV001055910.10), dbSNP rs2137453092, ClinGen allele CA2499222050.